The following is an entry in ClinVar:

ClinVar aggregate classification (germline): Uncertain significance. Review status: criteria provided, multiple submitters, no conflicts (2 of 4 stars). 2 submissions from 2 submitters: Uncertain significance (2). Last evaluated 2025-06-26.

Conditions:
RP1L1-related disorder. Also called: RP1L1-related condition.

Allele frequency attached by ClinVar (database versions not stated): TOPMed 0.00001.
gnomAD v4.1: 28 of 1,613,802 alleles (0.0017%); highest among the groups gnomAD compares: Admixed American, 0.017%; no homozygotes.

Submissions (2):

PreventionGenetics, part of Exact Sciences
Classification: Uncertain significance for RP1L1-related condition. Last evaluated: 2025-06-26. Review status: criteria provided, single submitter. Criteria: ACMG Guidelines, 2015. Collection method: clinical testing. Allele origin: germline.
Comment: The RP1L1 c.3642C>A variant is predicted to result in the amino acid substitution p.Ser1214Arg. This variant was reported in the compound heterozygous state in an individual with macular degeneration (Hitti-Malin et al. 2022. PubMed ID: 36259723). This variant has been reported on one allele in the 'remaining individuals' ('other') population in gnomAD. At this time, the clinical significance of this variant is uncertain due to the absence of conclusive functional and genetic evidence.

Blueprint Genetics
Classification: Uncertain significance. Last evaluated: 2024-10-23. Review status: criteria provided, single submitter. Criteria: ACMG Guidelines, 2015. Collection method: clinical testing. Allele origin: germline.

NM_178857.6(RP1L1):c.3642C>A (p.Ser1214Arg)

Gene: RP1L1 (RP1 like 1). Cytogenetic location: 8p23.1.
Variant type: single nucleotide variant.
Coding change: c.3642C>A on transcript NM_178857.6 (MANE Select); coding-DNA position 3642, C replaced by A.
Protein change: p.Ser1214Arg; replaces serine 1214 with arginine.
Molecular consequence: missense variant.
Genome position (GRCh38, 1-based): chr8:10,610,456, G>T on the plus strand (C>A on the coding strand, the complement: RP1L1 is on the minus strand). VCF-style: chr8-10610456-G-T. GRCh37 (hg19) VCF-style: chr8-10467966-G-T.
Other names: short protein forms S1214R.
Identifiers: ClinVar variation 866154 (VCV000866154.3), dbSNP rs367745657, ClinGen allele CA4624413.